The following is an entry in ClinVar:

NM_007194.4(CHEK2):c.1509T>G (p.Asn503Lys)

Gene: CHEK2 (checkpoint kinase 2; minus strand). Cytogenetic location: 22q12.1.
Variant type: single nucleotide variant.
Coding change: c.1509T>G on transcript NM_007194.4 (MANE Select); coding-DNA position 1509, T replaced by G.
Protein change: p.Asn503Lys; replaces asparagine 503 with lysine.
Molecular consequence: missense variant.
Genome position (GRCh38, 1-based): chr22:28,689,168, A>C on the plus strand (T>G on the coding strand, the complement: CHEK2 is on the minus strand). VCF-style: chr22-28689168-A-C. GRCh37 (hg19) VCF-style: chr22-29085156-A-C.
Other names: c.1638T>G, p.Asn546Lys (NM_001005735.3); c.846T>G, p.Asn282Lys (NM_001257387.3); c.1308T>G, p.Asn436Lys (NM_001349956.3); c.1422T>G, p.Asn474Lys (NM_145862.3); short protein forms N282K, N436K, N503K, N546K, N474K.
Identifiers: ClinVar variation 3664468 (VCV003664468.2).

ClinVar aggregate classification (germline): Uncertain significance (1 of 4 stars; one submission).

Conditions:
Familial cancer of breast. Also called: hereditary breast carcinoma; Hereditary breast cancer; BREAST CANCER, FAMILIAL. Identifiers: Orphanet 227535, MedGen C0346153, MONDO:0016419, OMIM 114480. Disease mechanism: loss of function.

Submission:

Labcorp Genetics (formerly Invitae), Labcorp
Classification: Uncertain significance for Familial cancer of breast. Last evaluated: 2024-09-04. Review status: criteria provided, single submitter. Criteria: Invitae Variant Classification Sherloc (09022015). Collection method: clinical testing. Allele origin: germline.
Comment: This sequence change replaces asparagine, which is neutral and polar, with lysine, which is basic and polar, at codon 503 of the CHEK2 protein (p.Asn503Lys). This variant is not present in population databases (gnomAD no frequency). This variant has not been reported in the literature in individuals affected with CHEK2-related conditions. An algorithm developed to predict the effect of missense changes on protein structure and function outputs the following: PolyPhen-2: "Benign". The lysine amino acid residue is found in multiple mammalian species, which suggests that this missense change does not adversely affect protein function. In summary, the available evidence is currently insufficient to determine the role of this variant in disease. Therefore, it has been classified as a Variant of Uncertain Significance.